The following is an entry in ClinVar:

NM_002769.5(PRSS1):c.738= (p.Asn246=)

Genes: PRSS1 (serine protease 1; plus strand), TRB (T cell receptor beta locus; plus strand). Cytogenetic location: 7q34.
Variant type: single nucleotide variant.
Coding change: c.738= on transcript NM_002769.5 (MANE Select); coding-DNA position 738, no change from the reference sequence.
Protein change: p.Asn246=; no amino-acid change (asparagine 246 retained).
Molecular consequence: no sequence alteration.
Genome position: GRCh38 VCF-style: chr7-142753014-T-T. GRCh37 (hg19) VCF-style: chr7-142460865-T-T.
Identifiers: ClinVar variation 36706 (VCV000036706.4), dbSNP rs6667.
Genomic context (GRCh38, chr7:142,753,014, plus strand): 5'-TGGAGTCTACACCAAGGTCTACAACTATGTGAAATGGATTAAGAACACCATAGCTGCCAA[T=]AGCTAAAGCCCCCAGTATCTCTTCAGTCTCTATACCAATAAAGTGACCCTGTTCTCACTG-3'
Protein context (NP_002760.1, residues 236-247): VKWIKNTIAA[Asn246=]S

ClinVar aggregate classification (germline): Benign (1 of 4 stars; one submission).

Conditions:
Hereditary pancreatitis (PCTT). Also called: Hereditary chronic pancreatitis; PRSS1-Related Hereditary Pancreatitis. Identifiers: Orphanet 676, MedGen C0238339, MONDO:0008185, OMIM 167800.

Allele frequency attached by ClinVar (database versions not stated): TOPMed 0.48211; gnomAD 0.47300 and 0.46184; gnomAD exomes 0.49181 and 0.45280; ExAC 0.49593; 1000 Genomes Project 0.60623; 1000 Genomes Project 30x 0.60493.

Submission:

Women's Health and Genetics/Laboratory Corporation of America, LabCorp
Classification: Benign for heritable chronic pancreatitis. Last evaluated: 2011-08-18. Review status: criteria provided, single submitter. Criteria: LabCorp Variant Classification Summary - May 2015. Collection method: clinical testing. Allele origin: germline. Inheritance: autosomal unknown.
ClinVar note: Converted during submission from benign to Benign.

Literature cited by the submitters: PubMed 14526128; PubMed 9633818; PubMed 11842279; PubMed 12011155.